The following is an entry in ClinVar:

NM_003242.6(TGFBR2):c.189C>G (p.Asn63Lys)

Gene: TGFBR2 (transforming growth factor beta receptor 2; plus strand). Cytogenetic location: 3p24.1.
Variant type: single nucleotide variant.
Coding change: c.189C>G on transcript NM_003242.6 (MANE Select); coding-DNA position 189, C replaced by G.
Protein change: p.Asn63Lys; replaces asparagine 63 with lysine.
Molecular consequence: missense variant. On other transcripts: intron variant (2).
Genome position (GRCh38, 1-based): chr3:30,644,841, C>G. VCF-style: chr3-30644841-C-G. GRCh37 (hg19) VCF-style: chr3-30686333-C-G.
Other names: c.264C>G, p.Asn88Lys (NM_001024847.3, NM_001407126.1, NM_001407139.1); c.189C>G, p.Asn63Lys (NM_001407127.1, NM_001407130.1); c.216C>G, p.Asn72Lys (NM_001407128.1); c.84C>G, p.Asn28Lys (NM_001407129.1, NM_001407132.1, NM_001407133.1 and 3 more transcripts); c.169+21568C>G (NM_001407137.1); c.95-26797C>G (NM_001407138.1); short protein forms N63K, N28K, N72K, N88K.
Identifiers: ClinVar variation 3635608 (VCV003635608.2).

ClinVar aggregate classification (germline): Uncertain significance (1 of 4 stars; one submission).

Conditions:
Familial thoracic aortic aneurysm and aortic dissection (TAAD). Also called: Thoracic aortic aneurysms and dissections. Identifiers: Orphanet 91387, MedGen C4707243, MONDO:0019625.

Submission:

Labcorp Genetics (formerly Invitae), Labcorp
Classification: Uncertain significance for Familial thoracic aortic aneurysm and aortic dissection. Last evaluated: 2024-05-09. Review status: criteria provided, single submitter. Criteria: Invitae Variant Classification Sherloc (09022015). Collection method: clinical testing. Allele origin: germline.
Comment: This sequence change replaces asparagine, which is neutral and polar, with lysine, which is basic and polar, at codon 63 of the TGFBR2 protein (p.Asn63Lys). This variant is not present in population databases (gnomAD no frequency). This variant has not been reported in the literature in individuals affected with TGFBR2-related conditions. Advanced modeling of protein sequence and biophysical properties (such as structural, functional, and spatial information, amino acid conservation, physicochemical variation, residue mobility, and thermodynamic stability) performed at Invitae indicates that this missense variant is not expected to disrupt TGFBR2 protein function with a negative predictive value of 95%. In summary, the available evidence is currently insufficient to determine the role of this variant in disease. Therefore, it has been classified as a Variant of Uncertain Significance.